The following is an entry in ClinVar:

ClinVar aggregate classification (germline): Likely benign (1 of 4 stars; one submission).

Submission:

Molecular Diagnostic Laboratory for Inherited Cardiovascular Disease, Montreal Heart Institute
Classification: Likely benign. Last evaluated: 2025-07-24. Review status: criteria provided, single submitter. Criteria: ACMG Guidelines, 2015. Collection method: clinical testing. Allele origin: germline. Affected: no.
Comment: BS1

NM_003036.4(SKI):c.969+18324C>T

Gene: SKI (SKI proto-oncogene; plus strand). Cytogenetic location: 1p36.33.
Variant type: single nucleotide variant.
Coding change: c.969+18324C>T on transcript NM_003036.4 (MANE Select); 18324 bases into the intron after coding-DNA position 969, C replaced by T.
Molecular consequence: intron variant.
Genome position (GRCh38, 1-based): chr1:2,248,059, C>T. VCF-style: chr1-2248059-C-T. GRCh37 (hg19) VCF-style: chr1-2179498-C-T.
Identifiers: ClinVar variation 4076448 (VCV004076448.1), dbSNP rs577693932.
Genomic context (GRCh38, chr1:2,248,059, plus strand): 5'-GGGGCGCGGTGGCGGGGGGCCTTGGTCGCGTCGTGTCTGCTCTTGTGCACCGGTGCCTCA[C>T]GGAGAGGCTGTGGTGAGTGCGCGGAAGGACCCTGGTGCTTTTGGGGACTTTCTGGAGCAG-3'